The following is an entry in ClinVar:

NM_005228.5(EGFR):c.1522G>A (p.Ala508Thr)

Gene: EGFR (epidermal growth factor receptor; plus strand). Cytogenetic location: 7p11.2.
Variant type: single nucleotide variant.
Coding change: c.1522G>A on transcript NM_005228.5 (MANE Select); coding-DNA position 1522, G replaced by A.
Protein change: p.Ala508Thr; replaces alanine 508 with threonine.
Molecular consequence: missense variant.
Genome position (GRCh38, 1-based): chr7:55,161,522, G>A. VCF-style: chr7-55161522-G-A. GRCh37 (hg19) VCF-style: chr7-55229215-G-A.
Other names: c.1387G>A, p.Ala463Thr (NM_001346897.2, NM_001346899.2); c.1522G>A, p.Ala508Thr (NM_001346898.2, NM_201282.2, NM_201284.2); c.1363G>A, p.Ala455Thr (NM_001346900.2); c.721G>A, p.Ala241Thr (NM_001346941.2); c.1522G>A (NM_005228.3); short protein forms A508T, A241T, A455T, A463T.
Identifiers: ClinVar variation 1045486 (VCV001045486.9), dbSNP rs1407608935, ClinGen allele CA367579814.

ClinVar aggregate classification (germline): Conflicting classifications of pathogenicity. Review status: criteria provided, conflicting classifications (1 of 4 stars). 2 submissions from 2 submitters: Uncertain significance (1); Likely benign (1). Last evaluated 2026-07-30.

Conditions:
EGFR-related lung cancer (EGFR). Identifiers: MedGen CN130014.
Hereditary cancer-predisposing syndrome. Also called: Tumor predisposition; Hereditary Cancer Syndrome; Hereditary neoplastic syndrome; Neoplastic Syndromes, Hereditary. Identifiers: Orphanet 140162, MedGen C0027672, MeSH D009386, MONDO:0015356.

Allele frequency attached by ClinVar (database versions not stated): gnomAD exomes below 0.00001.
gnomAD v4.1: 1 of 1,614,214 alleles (0.000062%); highest among the groups gnomAD compares: Non-Finnish European, 0.000085%; no homozygotes.

Submissions (2):

Ambry Genetics
Classification: Likely benign for Hereditary cancer-predisposing syndrome. Last evaluated: 2026-07-30. Review status: criteria provided, single submitter. Criteria: Ambry Variant Classification Scheme 2023. Collection method: clinical testing. Allele origin: germline.

Labcorp Genetics (formerly Invitae), Labcorp
Classification: Uncertain significance for EGFR-related lung cancer. Last evaluated: 2024-07-16. Review status: criteria provided, single submitter. Criteria: Invitae Variant Classification Sherloc (09022015). Collection method: clinical testing. Allele origin: germline.
Comment: This sequence change replaces alanine, which is neutral and non-polar, with threonine, which is neutral and polar, at codon 508 of the EGFR protein (p.Ala508Thr). This variant is present in population databases (no rsID available, gnomAD 0.0009%). This variant has not been reported in the literature in individuals affected with EGFR-related conditions. ClinVar contains an entry for this variant (Variation ID: 1045486). Advanced modeling of protein sequence and biophysical properties (such as structural, functional, and spatial information, amino acid conservation, physicochemical variation, residue mobility, and thermodynamic stability) performed at Invitae indicates that this missense variant is not expected to disrupt EGFR protein function with a negative predictive value of 80%. In summary, the available evidence is currently insufficient to determine the role of this variant in disease. Therefore, it has been classified as a Variant of Uncertain Significance.